The following is an entry in ClinVar:

ClinVar aggregate classification (germline): Conflicting classifications of pathogenicity. Review status: criteria provided, conflicting classifications (1 of 4 stars). 8 submissions from 8 submitters: Uncertain significance (2); Likely benign (5). 1 of the submissions does not count toward it. Last evaluated 2026-01-11.

Conditions:
Inborn genetic diseases. Identifiers: MedGen C0950123, MeSH D030342.
Usher syndrome type 2C. Also called: Usher syndrome, type 2B; USHER SYNDROME, TYPE IIC. Identifiers: Orphanet 231178, Orphanet 886, MedGen C2931213, MONDO:0011558, OMIM 605472.
ADGRV1-related disorder. Also called: ADGRV1-related condition; ADGRV1-related disorders.

Allele frequency attached by ClinVar (database versions not stated): 1000 Genomes Project 0.00100; 1000 Genomes Project 30x 0.00109; gnomAD 0.00115 and 0.00125; TOPMed 0.00150; ESP Exome Variant Server 0.00178.
gnomAD v4.1: 333 of 1,613,764 alleles (0.021%); highest among the groups gnomAD compares: African/African-American, 0.41%; 1 homozygote.

Submissions (8):

Labcorp Genetics (formerly Invitae), Labcorp
Classification: Likely benign. Last evaluated: 2026-01-11. Review status: criteria provided, single submitter. Criteria: Invitae Variant Classification Sherloc (09022015). Collection method: clinical testing. Allele origin: germline.

Blueprint Genetics
Classification: Likely benign. Last evaluated: 2024-08-20. Review status: criteria provided, single submitter. Criteria: ACMG Guidelines, 2015. Collection method: clinical testing. Allele origin: germline.

Ambry Genetics
Classification: Uncertain significance for Inborn genetic diseases. Last evaluated: 2022-02-09. Review status: criteria provided, single submitter. Criteria: Ambry Variant Classification Scheme 2023. Collection method: clinical testing. Allele origin: germline.

GeneDx
Classification: Likely benign. Last evaluated: 2020-10-20. Review status: criteria provided, single submitter. Criteria: GeneDx Variant Classification Process June 2021. Collection method: clinical testing. Allele origin: germline. Affected: yes.

Illumina Laboratory Services, Illumina
Classification: Uncertain significance for Usher syndrome type 2C. Last evaluated: 2018-01-13. Review status: criteria provided, single submitter. Criteria: ICSL Variant Classification Criteria 13 December 2019. Collection method: clinical testing. Allele origin: germline.

Laboratory for Molecular Medicine, Mass General Brigham Personalized Medicine
Classification: Likely benign. Last evaluated: 2017-08-25. Review status: criteria provided, single submitter. Criteria: LMM Criteria. Collection method: clinical testing. Allele origin: germline. Observed: 2 variant alleles.
Comment: p.Ile707Leu in exon 11 of GPR98: This variant is not expected to have clinical s ignificance because it has been identified in 0.45% (109/24010) African chromoso mes including 1 homozygote by the Genome Aggregation Database (gnomAD; dbSNP rs200897149).

Eurofins Ntd Llc (ga)
Classification: Likely benign. Last evaluated: 2017-01-18. Review status: criteria provided, single submitter. Criteria: EGL Classification Definitions 2015. Collection method: clinical testing. Allele origin: germline. Observed: 1 variant allele, 1 heterozygote.

PreventionGenetics, part of Exact Sciences
Classification: Likely benign for ADGRV1-related condition. Last evaluated: 2023-01-13. Review status: no assertion criteria provided. Collection method: clinical testing. Allele origin: germline. Not counted in ClinVar's aggregate classification.
Comment: This variant is classified as likely benign based on ACMG/AMP sequence variant interpretation guidelines (Richards et al. 2015 PMID: 25741868, with internal and published modifications).

NM_032119.4(ADGRV1):c.2119A>T (p.Ile707Leu)

Gene: ADGRV1 (adhesion G protein-coupled receptor V1; plus strand). Cytogenetic location: 5q14.3.
Variant type: single nucleotide variant.
Coding change: c.2119A>T on transcript NM_032119.4 (MANE Select); coding-DNA position 2119, A replaced by T.
Protein change: p.Ile707Leu; replaces isoleucine 707 with leucine.
Molecular consequence: missense variant. On other transcripts: non-coding transcript variant (1).
Genome position (GRCh38, 1-based): chr5:90,637,827, A>T. VCF-style: chr5-90637827-A-T. GRCh37 (hg19) VCF-style: chr5-89933644-A-T.
Other names: short protein forms I707L.
Identifiers: ClinVar variation 178355 (VCV000178355.28), dbSNP rs200897149, ClinGen allele CA182167.